The following is an entry in ClinVar:

ClinVar aggregate classification (germline): Pathogenic (1 of 4 stars; one submission).

Conditions:
Achromatopsia 3 (ACHM3). Also called: ACHROMATOPSIA WITH MYOPIA; PINGELAPESE BLINDNESS; TOTAL COLORBLINDNESS WITH MYOPIA; ROD MONOCHROMACY 1; ROD MONOCHROMATISM 1. Identifiers: Orphanet 49382, MedGen C1849792, MONDO:0009875, OMIM 262300.

Submission:

Myriad Genetics, Inc.
Classification: Pathogenic for Achromatopsia 3. Last evaluated: 2025-10-13. Review status: criteria provided, single submitter. Criteria: Myriad Autosomal Dominant, Autosomal Recessive and X-Linked Classification Criteria (2023). Collection method: clinical testing. Allele origin: unknown.
Comment: NM_019098.4(CNGB3):c.641_642delCA(T214Rfs*16) is expected to be pathogenic in the context of achromatopsia, CNGB3-related. This variant is predicted to lead to an abnormal or absent protein product due to the creation of a premature termination codon in CNGB3, a gene where loss-of-function variants are known to be pathogenic. Please note: this variant was assessed in the context of healthy population screening.

NM_019098.5(CNGB3):c.641_642del (p.Thr214fs)

Gene: CNGB3 (cyclic nucleotide gated channel subunit beta 3; minus strand). Cytogenetic location: 8q21.3.
Variant type: Microsatellite.
Coding change: c.641_642del on transcript NM_019098.5 (MANE Select); coding-DNA positions 641 to 642, 2 bases deleted (CA; older notation c.641_642delCA).
Protein change: p.Thr214fs; shifts the reading frame from threonine 214.
Molecular consequence: frameshift variant.
Genome position (GRCh38, 1-based): chr8:86,668,020-86,668,021, TG deleted on the plus strand (CA on the coding strand, the reverse complement: CNGB3 is on the minus strand); deleting any 2 consecutive bases within chr8:86,668,020-86,668,024 gives the same sequence; the c. name uses the placement nearest the transcript's 3' end. VCF-style (leftmost placement, unchanged base first): chr8-86668019-CTG-C. GRCh37 (hg19) VCF-style: chr8-87680247-CTG-C.
Other names: short protein forms T214fs.
Identifiers: ClinVar variation 5015091 (VCV005015091.1).